The following is an entry in ClinVar:

ClinVar aggregate classification (germline): Uncertain significance. Review status: criteria provided, multiple submitters, no conflicts (2 of 4 stars). 2 submissions from 2 submitters: Uncertain significance (2). Last evaluated 2020-10-22.

Conditions:
Inborn genetic diseases. Identifiers: MedGen C0950123, MeSH D030342.
Epidermolysis bullosa simplex 3, localized or generalized intermediate, with BP230 deficiency (EBS3). Also called: Epidermolysis bullosa simplex, autosomal recessive 2; Epidermolysis bullosa simplex due to BP230 deficiency. Identifiers: Orphanet 412181, MedGen C3809470, MONDO:0014180, OMIM 615425.

Allele frequency attached by ClinVar (database versions not stated): TOPMed 0.00002.
gnomAD v4.1: 18 of 1,612,890 alleles (0.0011%); highest among the groups gnomAD compares: South Asian, 0.0033%; no homozygotes.

Submissions (2):

Ambry Genetics
Classification: Uncertain significance for Inborn genetic diseases. Last evaluated: 2020-10-22. Review status: criteria provided, single submitter. Criteria: Ambry Variant Classification Scheme 2023. Collection method: clinical testing. Allele origin: germline.
Comment: The p.R951Q variant (also known as c.2852G>A), located in coding exon 21 of the DST gene, results from a G to A substitution at nucleotide position 2852. The arginine at codon 951 is replaced by glutamine, an amino acid with highly similar properties. This amino acid position is well conserved in available vertebrate species. In addition, the in silico prediction for this alteration is inconclusive. Since supporting evidence is limited at this time, the clinical significance of this alteration remains unclear.

Centre for Mendelian Genomics, University Medical Centre Ljubljana
Classification: Uncertain significance for Epidermolysis bullosa simplex 3, localized or generalized intermediate, with BP230 deficiency. Last evaluated: 2019-03-18. Review status: criteria provided, single submitter. Criteria: ACMG Guidelines, 2015. Collection method: clinical testing. Allele origin: unknown. Affected: yes.
Comment: This variant was classified as: Uncertain significance. The available evidence on this variant's pathogenicity is insufficient or conflicting. The following ACMG criteria were applied in classifying this variant: PM2,PP3.

NM_001374736.1(DST):c.2951G>A (p.Arg984Gln)

Gene: DST (dystonin; minus strand). Cytogenetic location: 6p12.1.
Variant type: single nucleotide variant.
Coding change: c.2951G>A on transcript NM_001374736.1 (MANE Select); coding-DNA position 2951, G replaced by A.
Protein change: p.Arg984Gln; replaces arginine 984 with glutamine.
Molecular consequence: missense variant.
Genome position (GRCh38, 1-based): chr6:56,639,272, C>T on the plus strand (G>A on the coding strand, the complement: DST is on the minus strand). VCF-style: chr6-56639272-C-T. GRCh37 (hg19) VCF-style: chr6-56504070-C-T.
Other names: c.2852G>A, p.Arg951Gln (NM_001144769.5); c.2438G>A, p.Arg813Gln (NM_001144770.2); c.2951G>A, p.Arg984Gln (NM_001374722.1); c.2318G>A, p.Arg773Gln (NM_001374729.1, NM_001386100.1, NM_001374730.1 and 1 more transcripts); c.1340G>A, p.Arg447Gln (NM_001723.7, NM_015548.5); c.2978G>A, p.Arg993Gln (NM_001374734.1); short protein forms R951Q, R984Q, R773Q, R813Q, R447Q, R993Q.
Identifiers: ClinVar variation 930647 (VCV000930647.5), dbSNP rs768679542, ClinGen allele CA3871292.